The following is an entry in ClinVar:

NM_006180.6(NTRK2):c.2193G>A (p.Leu731=)

Gene: NTRK2 (neurotrophic receptor tyrosine kinase 2; plus strand). Cytogenetic location: 9q21.33.
Variant type: single nucleotide variant.
Coding change: c.2193G>A on transcript NM_006180.6 (MANE Select); coding-DNA position 2193, G replaced by A.
Protein change: p.Leu731=; no amino-acid change (leucine 731 retained).
Molecular consequence: synonymous variant.
Genome position (GRCh38, 1-based): chr9:85,020,226, G>A. VCF-style: chr9-85020226-G-A. GRCh37 (hg19) VCF-style: chr9-87635141-G-A.
Other names: c.2145G>A, p.Leu715= (NM_001018064.3, NM_001369532.1, NM_001369533.1); c.2109G>A, p.Leu703= (NM_001369534.1); c.1677G>A, p.Leu559= (NM_001369535.1); c.1725G>A, p.Leu575= (NM_001369536.1).
Identifiers: ClinVar variation 730743 (VCV000730743.36), dbSNP rs56129395, ClinGen allele CA5105952.

ClinVar aggregate classification (germline): Likely benign. Review status: criteria provided, multiple submitters, no conflicts (2 of 4 stars). 5 submissions from 5 submitters: Likely benign (4). 1 of the submissions does not count toward it. Last evaluated 2026-09-01.

Conditions:
NTRK2-related disorder. Also called: NTRK2-related condition.

Allele frequency attached by ClinVar (database versions not stated): 1000 Genomes Project 30x 0.00016; 1000 Genomes Project 0.00020; ESP Exome Variant Server 0.00038; gnomAD 0.00045 and 0.00046; TOPMed 0.00049; gnomAD exomes 0.00055 and 0.00094; ExAC 0.00092.
gnomAD v4.1: 929 of 1,614,092 alleles (0.058%); highest among the groups gnomAD compares: Middle Eastern, 0.38%; 4 homozygotes.

Submissions (5):

CeGaT Center for Human Genetics Tuebingen
Classification: Likely benign. Last evaluated: 2026-09-01. Review status: criteria provided, single submitter. Criteria: CeGaT Center For Human Genetics Tuebingen Variant Classification Criteria Version 2. Collection method: clinical testing. Allele origin: germline. Affected: yes. Observed: 5 variant alleles.
Comment: NTRK2: BP4, BP7

Labcorp Genetics (formerly Invitae), Labcorp
Classification: Likely benign. Last evaluated: 2026-01-28. Review status: criteria provided, single submitter. Criteria: Invitae Variant Classification Sherloc (09022015). Collection method: clinical testing. Allele origin: germline.

Blueprint Genetics
Classification: Likely benign. Last evaluated: 2024-11-04. Review status: criteria provided, single submitter. Criteria: ACMG Guidelines, 2015. Collection method: clinical testing. Allele origin: germline.

Breakthrough Genomics
Classification: Likely benign. Review status: criteria provided, single submitter. Criteria: ACMG Guidelines, 2015. Collection method: not provided. Allele origin: germline. Inheritance: Autosomal dominant inheritance. Affected: yes.

PreventionGenetics, part of Exact Sciences
Classification: Benign for NTRK2-related condition. Last evaluated: 2021-05-26. Review status: no assertion criteria provided. Collection method: clinical testing. Allele origin: germline. Not counted in ClinVar's aggregate classification.
Comment: This variant is classified as benign based on ACMG/AMP sequence variant interpretation guidelines (Richards et al. 2015 PMID: 25741868, with internal and published modifications).